The following is an entry in ClinVar:

ClinVar aggregate classification (germline): Uncertain significance (1 of 4 stars; one submission).

Conditions:
Centromeric instability of chromosomes 1,9 and 16 and immunodeficiency (ICF1). Also called: IMMUNE DEFICIENCY, VARIABLE, WITH CENTROMERIC INSTABILITY OF CHROMOSOMES 1, 9, AND 16; IMMUNODEFICIENCY SYNDROME, VARIABLE; CENTROMERIC INSTABILITY, IMMUNODEFICIENCY SYNDROME; Immunodeficiency-centromeric instability-facial anomalies. Identifiers: Orphanet 2268, MedGen C0398788, MONDO:0000133.

Submission:

Labcorp Genetics (formerly Invitae), Labcorp
Classification: Uncertain significance for Centromeric instability of chromosomes 1,9 and 16 and immunodeficiency. Last evaluated: 2021-12-25. Review status: criteria provided, single submitter. Criteria: Invitae Variant Classification Sherloc (09022015). Collection method: clinical testing. Allele origin: germline.
Comment: This sequence change replaces tyrosine, which is neutral and polar, with phenylalanine, which is neutral and non-polar, at codon 303 of the DNMT3B protein (p.Tyr303Phe). This variant is not present in population databases (gnomAD no frequency). This variant has not been reported in the literature in individuals affected with DNMT3B-related conditions. Algorithms developed to predict the effect of missense changes on protein structure and function output the following: SIFT: "Tolerated"; PolyPhen-2: "Benign"; Align-GVGD: "Class C0". The phenylalanine amino acid residue is found in multiple mammalian species, which suggests that this missense change does not adversely affect protein function. In summary, the available evidence is currently insufficient to determine the role of this variant in disease. Therefore, it has been classified as a Variant of Uncertain Significance.

NM_006892.4(DNMT3B):c.908A>T (p.Tyr303Phe)

Gene: DNMT3B (DNA methyltransferase 3 beta; plus strand). Cytogenetic location: 20q11.21.
Variant type: single nucleotide variant.
Coding change: c.908A>T on transcript NM_006892.4 (MANE Select); coding-DNA position 908, A replaced by T.
Protein change: p.Tyr303Phe; replaces tyrosine 303 with phenylalanine.
Molecular consequence: missense variant.
Genome position (GRCh38, 1-based): chr20:32,791,695, A>T. VCF-style: chr20-32791695-A-T. GRCh37 (hg19) VCF-style: chr20-31379501-A-T.
Other names: c.782A>T, p.Tyr261Phe (NM_001207055.2); c.680A>T, p.Tyr227Phe (NM_001207056.2); c.908A>T, p.Tyr303Phe (NM_175848.2, NM_175849.2); c.944A>T, p.Tyr315Phe (NM_175850.3); short protein forms Y227F, Y315F, Y303F, Y261F.
Identifiers: ClinVar variation 2060412 (VCV002060412.4), dbSNP rs1979988585, ClinGen allele CA408588769.
Genomic context (GRCh38, chr20:32,791,695, plus strand): 5'-TCAGCCAGCACTTTAATTTGGCCACCTTCAATAAGCTCGTCTCCTATCGAAAAGCCATGT[A>T]CCATGCTCTGGAGGTAACATGGGATGAGGGAATGAGGGCTAAGCCCTGAGAGCAGGGATG-3'
Protein context (NP_008823.1, residues 293-313): NKLVSYRKAM[Tyr303Phe]HALEKARVRA